The following is an entry in ClinVar:

NM_006734.4(HIVEP2):c.5853C>T (p.Gly1951=)

Gene: HIVEP2 (HIVEP zinc finger 2; minus strand). Cytogenetic location: 6q24.2.
Variant type: single nucleotide variant.
Coding change: c.5853C>T on transcript NM_006734.4 (MANE Select); coding-DNA position 5853, C replaced by T.
Protein change: p.Gly1951=; no amino-acid change (glycine 1951 retained).
Molecular consequence: synonymous variant.
Genome position (GRCh38, 1-based): chr6:142,760,435, G>A on the plus strand (C>T on the coding strand, the complement: HIVEP2 is on the minus strand). VCF-style: chr6-142760435-G-A. GRCh37 (hg19) VCF-style: chr6-143081572-G-A.
Identifiers: ClinVar variation 1337352 (VCV001337352.32), dbSNP rs150164040, ClinGen allele CA4027797.

ClinVar aggregate classification (germline): Benign/Likely benign. Review status: criteria provided, multiple submitters, no conflicts (2 of 4 stars). 4 submissions from 4 submitters: Benign (1); Likely benign (2). 1 of the submissions does not count toward it. Last evaluated 2025-03-19.

Conditions:
HIVEP2-related disorder. Also called: HIVEP2-related condition.

Allele frequency attached by ClinVar (database versions not stated): gnomAD 0.00002 and 0.00003; gnomAD exomes 0.00002; TOPMed 0.00002; ExAC 0.00005; ESP Exome Variant Server 0.00008; 1000 Genomes Project 30x 0.00016; 1000 Genomes Project 0.00020.
gnomAD v4.1: 27 of 1,614,106 alleles (0.0017%); highest among the groups gnomAD compares: African/African-American, 0.019%; no homozygotes.

Submissions (4):

Labcorp Genetics (formerly Invitae), Labcorp
Classification: Benign. Last evaluated: 2025-03-19. Review status: criteria provided, single submitter. Criteria: Invitae Variant Classification Sherloc (09022015). Collection method: clinical testing. Allele origin: germline.

CeGaT Center for Human Genetics Tuebingen
Classification: Likely benign. Last evaluated: 2023-05-01. Review status: criteria provided, single submitter. Criteria: CeGaT Center For Human Genetics Tuebingen Variant Classification Criteria Version 2. Collection method: clinical testing. Allele origin: germline. Affected: yes. Observed: 1 variant allele.
Comment: HIVEP2: BP4, BP7

Genetic Services Laboratory, University of Chicago
Classification: Likely benign. Last evaluated: 2019-08-30. Review status: criteria provided, single submitter. Criteria: ACMG Guidelines, 2015. Collection method: clinical testing. Allele origin: germline. Affected: no.

PreventionGenetics, part of Exact Sciences
Classification: Likely benign for HIVEP2-related condition. Last evaluated: 2019-07-01. Review status: no assertion criteria provided. Collection method: clinical testing. Allele origin: germline. Not counted in ClinVar's aggregate classification.
Comment: This variant is classified as likely benign based on ACMG/AMP sequence variant interpretation guidelines (Richards et al. 2015 PMID: 25741868, with internal and published modifications).